The following is an entry in ClinVar:

NM_130468.4(CHST14):c.527_530delinsGACAG (p.Val176fs)

Gene: CHST14 (carbohydrate sulfotransferase 14; plus strand). Cytogenetic location: 15q15.1.
Variant type: Indel.
Coding change: c.527_530delinsGACAG on transcript NM_130468.4 (MANE Select); coding-DNA positions 527 to 530, TGGA replaced by GACAG.
Protein change: p.Val176fs; shifts the reading frame from valine 176.
Molecular consequence: frameshift variant.
Genome position (GRCh38, 1-based): chr15:40,471,740-40,471,743, TGGA replaced by GACAG. VCF-style: chr15-40471740-TGGA-GACAG. GRCh37 (hg19) VCF-style: chr15-40763939-TGGA-GACAG.
Other names: c.527_530delTGGAinsGACAG (NM_130468.3); short protein forms V176fs.
Identifiers: ClinVar variation 653458 (VCV000653458.8), dbSNP rs1595869467, ClinGen allele CA915946516.
Genomic context (GRCh38, chr15:40,471,740, plus strand): 5'-AGGTGGCCTGCTCTAACTGGAAGCGGGTGATGAAGGTGCTGGCAGGCGTCCTGGACAGCG[TGGA>GACAG]CGTCCGCCTCAAGATGGACCACCGCAGTGACCTGGTGTTCCTGGCCGACCTGCGGCCTGA-3'

ClinVar aggregate classification (germline): Pathogenic/Likely pathogenic. Review status: criteria provided, multiple submitters, no conflicts (2 of 4 stars). 2 submissions from 2 submitters: Pathogenic (1); Likely pathogenic (1). Last evaluated 2026-01-28.

Conditions:
Ehlers-Danlos syndrome, musculocontractural type (EDSMC). Also called: Adducted thumb, clubfoot, progressive joint and skin laxity syndrome; DUNDAR SYNDROME; ADDUCTED THUMB-CLUBFOOT SYNDROME; ARTHROGRYPOSIS, DISTAL, WITH PECULIAR FACIES AND HYDRONEPHROSIS. Identifiers: Orphanet 2953, MedGen C1866294, MONDO:0011142.

Submissions (2):

Labcorp Genetics (formerly Invitae), Labcorp
Classification: Pathogenic for Ehlers-Danlos syndrome, musculocontractural type. Last evaluated: 2026-01-28. Review status: criteria provided, single submitter. Criteria: Invitae Variant Classification Sherloc (09022015). Collection method: clinical testing. Allele origin: germline.
Comment: This sequence change creates a premature translational stop signal (p.Val176Glyfs*12) in the CHST14 gene. While this is not anticipated to result in nonsense mediated decay, it is expected to disrupt the last 201 amino acid(s) of the CHST14 protein. This variant is present in population databases (no rsID available, gnomAD 0.007%). This variant has not been reported in the literature in individuals affected with CHST14-related conditions. ClinVar contains an entry for this variant (Variation ID: 653458). This variant disrupts a region of the CHST14 protein in which other variant(s) (p.Pro281Leu) have been determined to be pathogenic (PMID: 20533528). This suggests that this is a clinically significant region of the protein, and that variants that disrupt it are likely to be disease-causing. For these reasons, this variant has been classified as Pathogenic.

GeneDx
Classification: Likely pathogenic. Last evaluated: 2022-05-03. Review status: criteria provided, single submitter. Criteria: GeneDx Variant Classification Process June 2021. Collection method: clinical testing. Allele origin: germline. Affected: yes.
Comment: Has not been previously published as pathogenic or benign to our knowledge; Frameshift variant predicted to result in protein truncation, as the last 201 amino acids are replaced with 11 different amino acids, and other loss-of-function variants have been reported downstream (HGMD); Not observed at significant frequency in large population cohorts (gnomAD)

Literature cited by the submitters: PubMed 20533528 (cited by Labcorp Genetics (formerly Invitae), Labcorp).